The following is an entry in ClinVar:

ClinVar aggregate classification (germline): Uncertain significance. Review status: criteria provided, multiple submitters, no conflicts (2 of 4 stars). 2 submissions from 2 submitters: Uncertain significance (2). Last evaluated 2024-06-16.

Conditions:
Inborn genetic diseases. Identifiers: MedGen C0950123, MeSH D030342.
Myoclonic dystonia 26. Identifiers: MedGen C4225341, MONDO:0014620, OMIM 616398.

Allele frequency attached by ClinVar (database versions not stated): 1000 Genomes Project 30x 0.00016.
gnomAD v4.1: 53 of 1,600,664 alleles (0.0033%); highest among the groups gnomAD compares: South Asian, 0.053%; no homozygotes.

Submissions (2):

Ambry Genetics
Classification: Uncertain significance for Inborn genetic diseases. Last evaluated: 2024-06-16. Review status: criteria provided, single submitter. Criteria: Ambry Variant Classification Scheme 2023. Collection method: clinical testing. Allele origin: germline.

Labcorp Genetics (formerly Invitae), Labcorp
Classification: Uncertain significance for Myoclonic dystonia 26. Last evaluated: 2023-04-28. Review status: criteria provided, single submitter. Criteria: Invitae Variant Classification Sherloc (09022015). Collection method: clinical testing. Allele origin: germline.
Comment: This sequence change replaces arginine, which is basic and polar, with proline, which is neutral and non-polar, at codon 288 of the KCTD17 protein (p.Arg288Pro). This variant is present in population databases (rs770794932, gnomAD 0.07%), and has an allele count higher than expected for a pathogenic variant. This variant has not been reported in the literature in individuals affected with KCTD17-related conditions. An algorithm developed to predict the effect of missense changes on protein structure and function (PolyPhen-2) suggests that this variant is likely to be tolerated. In summary, the available evidence is currently insufficient to determine the role of this variant in disease. Therefore, it has been classified as a Variant of Uncertain Significance.

NM_001282684.2(KCTD17):c.842G>C (p.Arg281Pro)

Gene: KCTD17 (potassium channel tetramerization domain containing 17; plus strand). Cytogenetic location: 22q12.3.
Variant type: single nucleotide variant.
Coding change: c.842G>C on transcript NM_001282684.2 (MANE Select); coding-DNA position 842, G replaced by C.
Protein change: p.Arg281Pro; replaces arginine 281 with proline.
Molecular consequence: missense variant. On other transcripts: 3 prime UTR variant (1), intron variant (1).
Genome position (GRCh38, 1-based): chr22:37,061,596, G>C. VCF-style: chr22-37061596-G-C. GRCh37 (hg19) VCF-style: chr22-37457636-G-C.
Other names: c.*13G>C (NM_001282685.2); c.770G>C, p.Arg257Pro (NM_024681.4); c.613-929G>C (NM_001282686.2); c.791G>C (NM_024681.2); short protein forms R257P, R281P.
Identifiers: ClinVar variation 2843163 (VCV002843163.4), dbSNP rs770794932, ClinGen allele CA10215163.